The following is an entry in ClinVar:

ClinVar aggregate classification (germline): Likely benign. Review status: criteria provided, single submitter (1 of 4 stars). 2 submissions from 2 submitters: Likely benign (1). 1 of the submissions does not count toward it. Last evaluated 2026-01-28.

Conditions:
COL7A1-related disorder. Also called: COL7A1-related condition; COL7A1- related disorders.

Allele frequency attached by ClinVar (database versions not stated): gnomAD exomes 0.00004 and 0.00010; ExAC 0.00008; 1000 Genomes Project 0.00020; gnomAD 0.00030 and 0.00032; 1000 Genomes Project 30x 0.00031; ESP Exome Variant Server 0.00031; TOPMed 0.00034.
gnomAD v4.1: 99 of 1,614,170 alleles (0.0061%); highest among the groups gnomAD compares: African/African-American, 0.13%; no homozygotes.

Submissions (2):

Labcorp Genetics (formerly Invitae), Labcorp
Classification: Likely benign. Last evaluated: 2026-01-28. Review status: criteria provided, single submitter. Criteria: Invitae Variant Classification Sherloc (09022015). Collection method: clinical testing. Allele origin: germline.

PreventionGenetics, part of Exact Sciences
Classification: Likely benign for COL7A1-related condition. Last evaluated: 2024-01-23. Review status: no assertion criteria provided. Collection method: clinical testing. Allele origin: germline. Not counted in ClinVar's aggregate classification.
Comment: This variant is classified as likely benign based on ACMG/AMP sequence variant interpretation guidelines (Richards et al. 2015 PMID: 25741868, with internal and published modifications).

NM_000094.4(COL7A1):c.1358-10T>C

Gene: COL7A1 (collagen type VII alpha 1 chain; minus strand). Cytogenetic location: 3p21.31.
Variant type: single nucleotide variant.
Coding change: c.1358-10T>C on transcript NM_000094.4 (MANE Select); 10 bases into the intron before coding-DNA position 1358, T replaced by C.
Molecular consequence: intron variant.
Genome position (GRCh38, 1-based): chr3:48,591,832, A>G on the plus strand (T>C on the coding strand, the complement: COL7A1 is on the minus strand). VCF-style: chr3-48591832-A-G. GRCh37 (hg19) VCF-style: chr3-48629265-A-G.
Other names: c.1358-10T>C (NM_000094.3).
Identifiers: ClinVar variation 1106318 (VCV001106318.9), dbSNP rs200022744, ClinGen allele CA2381228.